The following is an entry in ClinVar:

NM_001267550.2(TTN):c.26564G>T (p.Gly8855Val)

Gene: TTN (titin; minus strand). Cytogenetic location: 2q31.2.
Variant type: single nucleotide variant.
Coding change: c.26564G>T on transcript NM_001267550.2 (MANE Select); coding-DNA position 26564, G replaced by T.
Protein change: p.Gly8855Val; replaces glycine 8855 with valine.
Molecular consequence: missense variant. On other transcripts: intron variant (3).
Genome position (GRCh38, 1-based): chr2:178,714,094, C>A on the plus strand (G>T on the coding strand, the complement: TTN is on the minus strand). VCF-style: chr2-178714094-C-A. GRCh37 (hg19) VCF-style: chr2-179578821-C-A.
Other names: c.25613G>T, p.Gly8538Val (NM_001256850.1); c.22832G>T, p.Gly7611Val (NM_133378.4); c.13282+23988G>T (NM_003319.4); c.13858+23988G>T (NM_133437.4); c.13657+23988G>T (NM_133432.3); short protein forms G7611V, G8538V, G8855V.
Identifiers: ClinVar variation 995065 (VCV000995065.4), dbSNP rs767057972, ClinGen allele CA1999971.
Genomic context (GRCh38, chr2:178,714,094, plus strand): 5'-TTGTTGTCACTTGTTAGCTCTTTTCCATCCTTAAACCACTTAGTACTGAGTTCAGGGGTG[C>A]CAGCTACTGTACACTCCAAGGTACAGGTGTCTCCCGTGGTAACTTTTATGGATTCTGGCT-3'
Protein context (NP_001254479.2, residues 8845-8865): DTCTLECTVA[Gly8855Val]TPELSTKWFK

ClinVar aggregate classification (germline): Uncertain significance. Review status: criteria provided, multiple submitters, no conflicts (2 of 4 stars). 4 submissions from 4 submitters: Uncertain significance (4). Last evaluated 2026-05-19.

Conditions:
TTN-related disorder. Also called: TTN-related condition; TTN-related disease; TTN-related disorders.

Allele frequency attached by ClinVar (database versions not stated): gnomAD exomes 0.00001 and 0.00002; ExAC 0.00003; gnomAD 0.00004; TOPMed 0.00015.
gnomAD v4.1: 23 of 1,613,552 alleles (0.0014%); highest among the groups gnomAD compares: Admixed American, 0.0083%; no homozygotes.

Submissions (4):

PreventionGenetics, part of Exact Sciences
Classification: Uncertain significance for TTN-related condition. Last evaluated: 2026-05-19. Review status: criteria provided, single submitter. Criteria: ACMG Guidelines, 2015. Collection method: clinical testing. Allele origin: germline.
Comment: The TTN c.26564G>T variant is predicted to result in the amino acid substitution p.Gly8855Val. This variant has been reported in a cohort study of individuals with dilated cardiomyopathy (described as c.22832G>T (p.Gly7611Val) in NM_133378 in supplemental table 6, Haas et al. 2014. PubMed ID: 25163546). This variant is reported in 0.0057% of alleles in individuals of Latino descent in gnomAD. At this time, the clinical significance of this variant is uncertain due to the absence of conclusive functional and genetic evidence.

Revvity Omics, Revvity
Classification: Uncertain significance. Last evaluated: 2024-07-03. Review status: criteria provided, single submitter. Criteria: ACMG Guidelines, 2015. Collection method: clinical testing. Allele origin: germline.

Women's Health and Genetics/Laboratory Corporation of America, LabCorp
Classification: Uncertain significance. Last evaluated: 2023-08-21. Review status: criteria provided, single submitter. Criteria: LabCorp Variant Classification Summary - May 2015. Collection method: clinical testing. Allele origin: germline.
Comment: Variant summary: TTN c.22832G>T (p.Gly7611Val) results in a non-conservative amino acid change located in the I-band region of the encoded protein sequence. Five of five in-silico tools predict a damaging effect of the variant on protein function. The variant allele was found at a frequency of 2e-05 in 248602 control chromosomes (gnomAD). The available data on variant occurrences in the general population are insufficient to allow any conclusion about variant significance. c.22832G>T has been reported in the literature in an individual(s) affected with Dilated Cardiomyopathy without strong evidence of causality (Haas_2015). This report does not provide unequivocal conclusions about association of the variant with Dilated Cardiomyopathy. To our knowledge, no experimental evidence demonstrating an impact on protein function has been reported. The following publication has been ascertained in the context of this evaluation (PMID: 25163546). One submitter has cited a clinical-significance assessment for this variant to ClinVar after 2014 and has classified the variant as uncertain significance. Based on the evidence outlined above, the variant was classified as uncertain significance.

Athena Diagnostics
Classification: Uncertain significance. Last evaluated: 2020-03-10. Review status: criteria provided, single submitter. Criteria: Athena Diagnostics Criteria. Collection method: clinical testing. Allele origin: unknown.

Literature cited by the submitters: PubMed 25163546 (cited by Women's Health and Genetics/Laboratory Corporation of America, LabCorp and Athena Diagnostics).